The following is an entry in ClinVar:

NM_005245.4(FAT1):c.13138+1G>A

Gene: FAT1 (FAT atypical cadherin 1; minus strand). Cytogenetic location: 4q35.2.
Variant type: single nucleotide variant.
Coding change: c.13138+1G>A on transcript NM_005245.4 (MANE Select); the canonical splice donor site of the intron after coding-DNA position 13138, G replaced by A.
Molecular consequence: splice donor variant.
Genome position (GRCh38, 1-based): chr4:186,595,688, C>T on the plus strand (G>A on the coding strand, the complement: FAT1 is on the minus strand). VCF-style: chr4-186595688-C-T. GRCh37 (hg19) VCF-style: chr4-187516842-C-T.
Other names: c.13138+1G>A (NM_001440455.1, NM_001440456.1, NM_001440457.1).
Identifiers: ClinVar variation 4796479 (VCV004796479.1).
Genomic context (GRCh38, chr4:186,595,688, plus strand): 5'-AGATAACACAGTAACACAACAAGCAAGCAAAGCGCAGTGTTGCAGCACACTGCTGCCTCA[C>T]CATTGTCATCGCACGATTCGGACTGGAAGGAGCTCAGAGACTGCACTTCAGACAGGCTTT-3'

ClinVar aggregate classification (germline): Likely pathogenic (1 of 4 stars; one submission).

Conditions:
Syndromic microphthalmia. Also called: Syndromic microphthalmia-anophthalmia-coloboma. Identifiers: Orphanet 202948, MedGen C5679782, MONDO:0016073.

Submission:

Genetics Department, University Hospital of Toulouse
Classification: Likely pathogenic for Syndromic microphthalmia. Last evaluated: 2025-10-05. Review status: criteria provided, single submitter. Criteria: ACMG Guidelines, 2015. Collection method: clinical testing. Allele origin: germline. Affected: yes. Observed: 1 variant allele.
Comment: WGS did not identify any other variant in the gene.